The following is an entry in ClinVar:

NM_001371596.2(MFSD8):c.1393C>G (p.Arg465Gly)

Gene: MFSD8 (major facilitator superfamily domain containing 8; minus strand). Cytogenetic location: 4q28.2.
Variant type: single nucleotide variant.
Coding change: c.1393C>G on transcript NM_001371596.2 (MANE Select); coding-DNA position 1393, C replaced by G.
Protein change: p.Arg465Gly; replaces arginine 465 with glycine.
Molecular consequence: missense variant. On other transcripts: 3 prime UTR variant (1).
Genome position (GRCh38, 1-based): chr4:127,920,794, G>C on the plus strand (C>G on the coding strand, the complement: MFSD8 is on the minus strand). VCF-style: chr4-127920794-G-C. GRCh37 (hg19) VCF-style: chr4-128841949-G-C.
Other names: c.943C>G, p.Arg315Gly (NM_001410765.1); c.*965C>G (NM_001410766.1); c.1393C>G, p.Arg465Gly (NM_152778.4); c.1192C>G, p.Arg398Gly (NM_001363520.3); c.1078C>G, p.Arg360Gly (NM_001363521.3); c.1258C>G, p.Arg420Gly (NM_001371590.2); c.1402C>G, p.Arg468Gly (NM_001371591.2); c.1399C>G, p.Arg467Gly (NM_001371592.2); and 3 more; short protein forms R315G, R360G, R371G, R398G, R416G, R420G, R427G, R465G.
Identifiers: ClinVar variation 3907926 (VCV003907926.1).

ClinVar aggregate classification (germline): Uncertain significance (1 of 4 stars; one submission).

Submission:

GeneDx
Classification: Uncertain significance. Last evaluated: 2024-12-27. Review status: criteria provided, single submitter. Criteria: GeneDx Variant Classification Process June 2021. Collection method: clinical testing. Allele origin: germline. Affected: yes.
Comment: Not observed at significant frequency in large population cohorts (gnomAD); In silico analysis supports that this missense variant has a deleterious effect on protein structure/function; Has not been previously published as pathogenic or benign to our knowledge